The following is an entry in ClinVar:

ClinVar aggregate classification (germline): Uncertain significance (1 of 4 stars; one submission).

gnomAD v4.1: 1 of 1,614,034 alleles (0.000062%); highest among the groups gnomAD compares: Non-Finnish European, 0.000085%; no homozygotes.

Submission:

GeneDx
Classification: Uncertain significance. Last evaluated: 2024-08-05. Review status: criteria provided, single submitter. Criteria: GeneDx Variant Classification Process June 2021. Collection method: clinical testing. Allele origin: germline. Affected: yes.
Comment: Not observed at significant frequency in large population cohorts (gnomAD); In silico analysis supports that this missense variant has a deleterious effect on protein structure/function; Has not been previously published as pathogenic or benign to our knowledge

NM_001470.4(GABBR1):c.890G>A (p.Arg297His)

Gene: GABBR1 (gamma-aminobutyric acid type B receptor subunit 1; minus strand). Cytogenetic location: 6p22.1.
Variant type: single nucleotide variant.
Coding change: c.890G>A on transcript NM_001470.4 (MANE Select); coding-DNA position 890, G replaced by A.
Protein change: p.Arg297His; replaces arginine 297 with histidine.
Molecular consequence: missense variant.
Genome position (GRCh38, 1-based): chr6:29,623,378, C>T on the plus strand (G>A on the coding strand, the complement: GABBR1 is on the minus strand). VCF-style: chr6-29623378-C-T. GRCh37 (hg19) VCF-style: chr6-29591155-C-T.
Other names: c.359G>A, p.Arg120His (NM_001319053.2); c.539G>A, p.Arg180His (NM_021903.3); c.704G>A, p.Arg235His (NM_021904.4); short protein forms R120H, R180H, R235H, R297H.
Identifiers: ClinVar variation 3603006 (VCV003603006.1).